The following is an entry in ClinVar:

NM_182641.4(BPTF):c.5390C>G (p.Ala1797Gly)

Gene: BPTF (bromodomain PHD finger transcription factor; plus strand). Cytogenetic location: 17q24.2.
Variant type: single nucleotide variant.
Coding change: c.5390C>G on transcript NM_182641.4 (MANE Select); coding-DNA position 5390, C replaced by G.
Protein change: p.Ala1797Gly; replaces alanine 1797 with glycine.
Molecular consequence: missense variant.
Genome position (GRCh38, 1-based): chr17:67,918,800, C>G. VCF-style: chr17-67918800-C-G. GRCh37 (hg19) VCF-style: chr17-65914916-C-G.
Other names: c.5768C>G, p.Ala1923Gly (NM_004459.7); short protein forms A1923G, A1797G.
Identifiers: ClinVar variation 1977443 (VCV001977443.6), dbSNP rs1283300627, ClinGen allele CA400733064.

ClinVar aggregate classification (germline): Uncertain significance. Review status: criteria provided, multiple submitters, no conflicts (2 of 4 stars). 2 submissions from 2 submitters: Uncertain significance (2). Last evaluated 2025-10-09.

Allele frequency attached by ClinVar (database versions not stated): TOPMed below 0.00001.
gnomAD v4.1: 3 of 1,613,350 alleles (0.00019%); highest among the groups gnomAD compares: Non-Finnish European, 0.00025%; no homozygotes.

Submissions (2):

Women's Health and Genetics/Laboratory Corporation of America, LabCorp
Classification: Uncertain significance. Last evaluated: 2025-10-09. Review status: criteria provided, single submitter. Criteria: LabCorp Variant Classification Summary - May 2015. Collection method: clinical testing. Allele origin: germline.
Comment: Variant summary: BPTF c.5768C>G (p.Ala1923Gly) results in a non-conservative amino acid change in the encoded protein sequence. Algorithms developed to predict the effect of missense changes on protein structure and function are either unavailable or do not agree on the potential impact of this missense change. The variant was absent in 251252 control chromosomes. The available data on variant occurrences in the general population are insufficient to allow any conclusion about variant significance. To our knowledge, no occurrence of c.5768C>G in individuals affected with BPTF-related conditions and no experimental evidence demonstrating its impact on protein function have been reported. ClinVar contains an entry for this variant (Variation ID: 1977443). Based on the evidence outlined above, the variant was classified as uncertain significance.

Labcorp Genetics (formerly Invitae), Labcorp
Classification: Uncertain significance. Last evaluated: 2022-07-21. Review status: criteria provided, single submitter. Criteria: Invitae Variant Classification Sherloc (09022015). Collection method: clinical testing. Allele origin: germline.
Comment: In summary, the available evidence is currently insufficient to determine the role of this variant in disease. Therefore, it has been classified as a Variant of Uncertain Significance. Algorithms developed to predict the effect of missense changes on protein structure and function are either unavailable or do not agree on the potential impact of this missense change (SIFT: "Tolerated"; PolyPhen-2: "Probably Damaging"; Align-GVGD: "Class C0"). This variant has not been reported in the literature in individuals affected with BPTF-related conditions. This variant is not present in population databases (gnomAD no frequency). This sequence change replaces alanine, which is neutral and non-polar, with glycine, which is neutral and non-polar, at codon 1923 of the BPTF protein (p.Ala1923Gly).